The following is an entry in ClinVar:

NM_001330360.2(POLA1):c.2667T>A (p.Ala889=)

Gene: POLA1 (DNA polymerase alpha 1, catalytic subunit; plus strand). Cytogenetic location: Xp22.11.
Variant type: single nucleotide variant.
Coding change: c.2667T>A on transcript NM_001330360.2 (MANE Select); coding-DNA position 2667, T replaced by A.
Protein change: p.Ala889=; no amino-acid change (alanine 889 retained).
Molecular consequence: synonymous variant. On other transcripts: non-coding transcript variant (2).
Genome position (GRCh38, 1-based): chrX:24,745,518, T>A. VCF-style: chrX-24745518-T-A. GRCh37 (hg19) VCF-style: chrX-24763635-T-A.
Other names: p.Ala883=; c.2592T>A, p.Ala864= (NM_001378303.1); c.2649T>A, p.Ala883= (NM_016937.4).
Identifiers: ClinVar variation 1670164 (VCV001670164.9), dbSNP rs1387035881, ClinGen allele CA515714241.

ClinVar aggregate classification (germline): Likely benign. Review status: criteria provided, multiple submitters, no conflicts (2 of 4 stars). 2 submissions from 2 submitters: Likely benign (2). Last evaluated 2025-01-08.

Allele frequency attached by ClinVar (database versions not stated): gnomAD exomes 0.00001; gnomAD 0.00002; TOPMed 0.00003.

Submissions (2):

Mayo Clinic Laboratories, Mayo Clinic
Classification: Likely benign. Last evaluated: 2025-01-08. Review status: criteria provided, single submitter. Criteria: ACMG Guidelines, 2015. Collection method: clinical testing. Allele origin: germline. Observed: 1 variant allele.
Comment: BP4, BP7

Labcorp Genetics (formerly Invitae), Labcorp
Classification: Likely benign. Last evaluated: 2024-08-19. Review status: criteria provided, single submitter. Criteria: Invitae Variant Classification Sherloc (09022015). Collection method: clinical testing. Allele origin: germline.